The following is an entry in ClinVar:

NM_001042472.3(ABHD12):c.690G>A (p.Trp230Ter)

Genes: ABHD12 (abhydrolase domain containing 12, lysophospholipase; minus strand), LOC126863008 (CDK7 strongly-dependent group 2 enhancer GRCh37_chr20:25289826-25291025; plus strand). Cytogenetic location: 20p11.21.
Variant type: single nucleotide variant.
Coding change: c.690G>A on transcript NM_001042472.3 (MANE Select); coding-DNA position 690, G replaced by A.
Protein change: p.Trp230Ter; replaces tryptophan 230 with a stop codon.
Molecular consequence: nonsense.
Genome position (GRCh38, 1-based): chr20:25,309,505, C>T on the plus strand (G>A on the coding strand, the complement: ABHD12 is on the minus strand). VCF-style: chr20-25309505-C-T. GRCh37 (hg19) VCF-style: chr20-25290141-C-T.
Other names: c.690G>A, p.Trp230Ter (NM_015600.5); short protein forms W230*.
Identifiers: ClinVar variation 3601008 (VCV003601008.1).

ClinVar aggregate classification (germline): Pathogenic (1 of 4 stars; one submission).

Conditions:
PHARC syndrome. Also called: Polyneuropathy-hearing loss-ataxia-retinitis pigmentosa-cataract syndrome. Identifiers: Orphanet 171848, MedGen C2675204, MONDO:0012984, OMIM 612674.

gnomAD v4.1: 3 of 1,614,096 alleles (0.00019%); highest among the groups gnomAD compares: Non-Finnish European, 0.00025%; no homozygotes.

Submission:

Institute of Rare Diseases, West China Hospital, Sichuan University
Classification: Pathogenic for PHARC syndrome. Last evaluated: 2025-01-09. Review status: criteria provided, single submitter. Criteria: ClinGen HL ACMG Specifications v1. Collection method: research. Allele origin: germline. Affected: yes.
Comment: PVS1;PM3;PP1;PM2_Supporting